The following is an entry in ClinVar:

ClinVar aggregate classification (germline): Uncertain significance (1 of 4 stars; one submission).

Submission:

Women's Health and Genetics/Laboratory Corporation of America, LabCorp
Classification: Uncertain significance. Last evaluated: 2021-09-13. Review status: criteria provided, single submitter. Criteria: LabCorp Variant Classification Summary - May 2015. Collection method: clinical testing. Allele origin: germline.
Comment: Variant summary: NDUFS4 c.2T>C (p.Met1?) alters the initiation codon (i.e. a start loss variant) that is predicted to result either in absence of the protein or truncation of the encoded protein due to translation initiation at a downstream codon. A downstream alternative in-frame start codon is located at Met6 in the encoded protein. To our knowledge no pathogenic variants have been reported upstream of this codon. Three of four in-silico tools predict a damaging effect of the variant on protein function. The variant was absent in 251468 control chromosomes (gnomAD). The available data on variant occurrences in the general population are insufficient to allow any conclusion about variant significance. To our knowledge, no occurrence of c.2T>C in individuals affected with Leigh Syndrome and no experimental evidence demonstrating its impact on protein function have been reported. No clinical diagnostic laboratories have submitted clinical-significance assessments for this variant to ClinVar after 2014. Based on the evidence outlined above, the variant was classified as uncertain significance.

NM_002495.4(NDUFS4):c.2T>C (p.Met1Thr)

Genes: NDUFS4 (NADH:ubiquinone oxidoreductase subunit S4; plus strand), LOC129993885 (ATAC-STARR-seq lymphoblastoid active region 22547; plus strand). Cytogenetic location: 5q11.2.
Variant type: single nucleotide variant.
Coding change: c.2T>C on transcript NM_002495.4 (MANE Select); coding-DNA position 2, T replaced by C.
Protein change: p.Met1Thr; changes the start codon (methionine 1).
Molecular consequence: missense variant, initiator codon variant. On other transcripts: non-coding transcript variant (3).
Genome position (GRCh38, 1-based): chr5:53,560,664, T>C. VCF-style: chr5-53560664-T-C. GRCh37 (hg19) VCF-style: chr5-52856494-T-C.
Other names: c.2T>C, p.Met1Thr (NM_001318051.2); short protein forms M1T.
Identifiers: ClinVar variation 1301341 (VCV001301341.2), dbSNP rs768297131, ClinGen allele CA359718923.